The following is an entry in ClinVar:

NM_004958.4(MTOR):c.3340C>T (p.Leu1114=)

Gene: MTOR (mechanistic target of rapamycin kinase; minus strand). Cytogenetic location: 1p36.22.
Variant type: single nucleotide variant.
Coding change: c.3340C>T on transcript NM_004958.4 (MANE Select); coding-DNA position 3340, C replaced by T.
Protein change: p.Leu1114=; no amino-acid change (leucine 1114 retained).
Molecular consequence: synonymous variant.
Genome position (GRCh38, 1-based): chr1:11,212,854, G>A on the plus strand (C>T on the coding strand, the complement: MTOR is on the minus strand). VCF-style: chr1-11212854-G-A. GRCh37 (hg19) VCF-style: chr1-11272911-G-A.
Identifiers: ClinVar variation 784876 (VCV000784876.10), dbSNP rs373499545, ClinGen allele CA590241.

ClinVar aggregate classification (germline): Likely benign. Review status: criteria provided, single submitter (1 of 4 stars). 2 submissions from 2 submitters: Likely benign (1). 1 of the submissions does not count toward it. Last evaluated 2025-07-04.

Conditions:
MTOR-related disorder. Also called: MTOR-related condition.

Allele frequency attached by ClinVar (database versions not stated): gnomAD 0.00001; TOPMed 0.00001; ExAC 0.00005; ESP Exome Variant Server 0.00008.
gnomAD v4.1: 15 of 1,614,080 alleles (0.00093%); highest among the groups gnomAD compares: East Asian, 0.029%; no homozygotes.

Submissions (2):

Labcorp Genetics (formerly Invitae), Labcorp
Classification: Likely benign. Last evaluated: 2025-07-04. Review status: criteria provided, single submitter. Criteria: Invitae Variant Classification Sherloc (09022015). Collection method: clinical testing. Allele origin: germline.

PreventionGenetics, part of Exact Sciences
Classification: Likely benign for MTOR-related condition. Last evaluated: 2024-01-10. Review status: no assertion criteria provided. Collection method: clinical testing. Allele origin: germline. Not counted in ClinVar's aggregate classification.
Comment: This variant is classified as likely benign based on ACMG/AMP sequence variant interpretation guidelines (Richards et al. 2015 PMID: 25741868, with internal and published modifications).